The following is an entry in ClinVar:

NC_000010.10:g.(?_74293484)_(74311119_?)del

Gene: MICU1 (mitochondrial calcium uptake 1; minus strand). Cytogenetic location: 10q22.1.
Variant type: Deletion.
Identifiers: ClinVar variation 1444127 (VCV001444127.6).

ClinVar aggregate classification (germline): Pathogenic (1 of 4 stars; one submission).

Submission:

Labcorp Genetics (formerly Invitae), Labcorp
Classification: Pathogenic. Last evaluated: 2023-07-17. Review status: criteria provided, single submitter. Criteria: Invitae Variant Classification Sherloc (09022015). Collection method: clinical testing. Allele origin: germline.
Comment: This variant is a gross deletion of the genomic region encompassing exon(s) 4-5 of the MICU1 gene. This variant would be expected to be in-frame, preserving the integrity of the reading frame. For these reasons, this variant has been classified as Pathogenic. This variant disrupts a region of the MICU1 protein in which other variant(s) (p.Arg129Pro) have been determined to be pathogenic (PMID: 27159402, 31618753, 32395406). This suggests that this is a clinically significant region of the protein, and that variants that disrupt it are likely to be disease-causing. This variant has not been reported in the literature in individuals affected with MICU1-related conditions.

Literature cited by the submitters: PubMed 27159402; PubMed 31618753; PubMed 32395406.